The following is an entry in ClinVar:

ClinVar aggregate classification (germline): Uncertain significance. Review status: criteria provided, multiple submitters, no conflicts (2 of 4 stars). 2 submissions from 2 submitters: Uncertain significance (2). Last evaluated 2022-07-05.

Conditions:
Tumoral calcinosis, hyperphosphatemic, familial, 3. Identifiers: MedGen C4693864, MONDO:0060715, OMIM 617994.

gnomAD v4.1: 27 of 959,334 alleles (0.0028%); highest among the groups gnomAD compares: South Asian, 0.065%; no homozygotes.

Submissions (2):

Labcorp Genetics (formerly Invitae), Labcorp
Classification: Uncertain significance. Last evaluated: 2022-07-05. Review status: criteria provided, single submitter. Criteria: Invitae Variant Classification Sherloc (09022015). Collection method: clinical testing. Allele origin: germline.
Comment: The frequency data for this variant in the population databases is considered unreliable, as metrics indicate insufficient coverage at this position in the gnomAD database. This sequence change replaces proline, which is neutral and non-polar, with serine, which is neutral and polar, at codon 2 of the KL protein (p.Pro2Ser). This variant has not been reported in the literature in individuals affected with KL-related conditions. In summary, the available evidence is currently insufficient to determine the role of this variant in disease. Therefore, it has been classified as a Variant of Uncertain Significance. Algorithms developed to predict the effect of missense changes on protein structure and function output the following: SIFT: "Tolerated"; PolyPhen-2: "Benign"; Align-GVGD: "Class C0". The serine amino acid residue is found in multiple mammalian species, which suggests that this missense change does not adversely affect protein function. ClinVar contains an entry for this variant (Variation ID: 1485727).

Fulgent Genetics
Classification: Uncertain significance for Tumoral calcinosis, hyperphosphatemic, familial, 3. Last evaluated: 2022-02-19. Review status: criteria provided, single submitter. Criteria: ACMG Guidelines, 2015. Collection method: clinical testing. Allele origin: unknown.

NM_004795.4(KL):c.4C>T (p.Pro2Ser)

Gene: KL (klotho; plus strand). Cytogenetic location: 13q13.1.
Variant type: single nucleotide variant.
Coding change: c.4C>T on transcript NM_004795.4 (MANE Select); coding-DNA position 4, C replaced by T.
Protein change: p.Pro2Ser; replaces proline 2 with serine.
Molecular consequence: missense variant.
Genome position (GRCh38, 1-based): chr13:33,016,444, C>T. VCF-style: chr13-33016444-C-T. GRCh37 (hg19) VCF-style: chr13-33590582-C-T.
Other names: short protein forms P2S.
Identifiers: ClinVar variation 1485727 (VCV001485727.7), dbSNP rs1425467064, ClinGen allele CA387779729.